The following is an entry in ClinVar:

ClinVar aggregate classification (germline): Uncertain significance (1 of 4 stars; one submission).

Submission:

GeneDx
Classification: Uncertain significance. Last evaluated: 2025-05-20. Review status: criteria provided, single submitter. Criteria: GeneDx Variant Classification Process June 2021. Collection method: clinical testing. Allele origin: germline. Affected: yes.
Comment: Not observed at significant frequency in large population cohorts (gnomAD); In silico analysis supports that this missense variant has a deleterious effect on protein structure/function; Has not been previously published as pathogenic or benign to our knowledge

NM_001291415.2(KDM6A):c.2746A>G (p.Ser916Gly)

Gene: KDM6A (lysine demethylase 6A; plus strand). Cytogenetic location: Xp11.3.
Variant type: single nucleotide variant.
Coding change: c.2746A>G on transcript NM_001291415.2 (MANE Select); coding-DNA position 2746, A replaced by G.
Protein change: p.Ser916Gly; replaces serine 916 with glycine.
Molecular consequence: missense variant. On other transcripts: non-coding transcript variant (1).
Genome position (GRCh38, 1-based): chrX:45,070,245, A>G. VCF-style: chrX-45070245-A-G. GRCh37 (hg19) VCF-style: chrX-44929490-A-G.
Other names: c.2611A>G, p.Ser871Gly (NM_001291416.2, NM_001419811.1); c.2455A>G, p.Ser819Gly (NM_001291417.2); c.2353A>G, p.Ser785Gly (NM_001291418.2, NM_001419815.1); c.1702A>G, p.Ser568Gly (NM_001291421.2); c.2488A>G, p.Ser830Gly (NM_001410742.1, NM_001419814.1); c.2746A>G, p.Ser916Gly (NM_001419809.1); c.2644A>G, p.Ser882Gly (NM_001419810.1, NM_001419813.1); c.2590A>G, p.Ser864Gly (NM_001419812.1, NM_021140.4); short protein forms S568G, S785G, S819G, S830G, S864G, S871G, S882G, S916G.
Identifiers: ClinVar variation 4531003 (VCV004531003.1).